The following is an entry in ClinVar:

ClinVar aggregate classification (germline): Pathogenic. Review status: criteria provided, multiple submitters, no conflicts (2 of 4 stars). 4 submissions from 4 submitters: Pathogenic (4). Last evaluated 2026-08-28.

Conditions:
Hereditary nonpolyposis colorectal neoplasms. Identifiers: MedGen C0009405, MeSH D003123.
Hereditary cancer-predisposing syndrome. Also called: Neoplastic Syndromes, Hereditary; Hereditary Cancer Syndrome; Tumor predisposition; Hereditary neoplastic syndrome. Identifiers: Orphanet 140162, MedGen C0027672, MeSH D009386, MONDO:0015356.
Lynch syndrome 5 (LYNCH5). Also called: Hereditary non-polyposis colorectal cancer, type 5; Colorectal cancer, hereditary nonpolyposis, type 5. Identifiers: Orphanet 144, MedGen C1833477, MONDO:0013710, OMIM 614350. Disease mechanism: loss of function.

Submissions (4):

Ambry Genetics
Classification: Pathogenic for Hereditary cancer-predisposing syndrome. Last evaluated: 2026-08-28. Review status: criteria provided, single submitter. Criteria: Ambry Variant Classification Scheme 2023. Collection method: clinical testing. Allele origin: germline.
Comment: The c.2749dupG pathogenic mutation, located in coding exon 4 of the MSH6 gene, results from a duplication of G at nucleotide position 2749, causing a translational frameshift with a predicted alternate stop codon (p.D917Gfs*3). This variant is considered to be rare based on population cohorts in the Genome Aggregation Database (gnomAD). This alteration is expected to result in loss of function by premature protein truncation or nonsense-mediated mRNA decay. As such, this alteration is interpreted as a disease-causing mutation.

Myriad Genetics, Inc.
Classification: Pathogenic for Lynch syndrome 5. Last evaluated: 2023-08-18. Review status: criteria provided, single submitter. Criteria: Myriad Autosomal Dominant, Autosomal Recessive and X-Linked Classification Criteria (2023). Collection method: clinical testing. Allele origin: unknown.
Comment: This variant is considered pathogenic. This variant creates a frameshift predicted to result in premature protein truncation.

Labcorp Genetics (formerly Invitae), Labcorp
Classification: Pathogenic for Hereditary nonpolyposis colorectal neoplasms. Last evaluated: 2022-12-10. Review status: criteria provided, single submitter. Criteria: Invitae Variant Classification Sherloc (09022015). Collection method: clinical testing. Allele origin: germline.
Comment: This variant is not present in population databases (gnomAD no frequency). This sequence change creates a premature translational stop signal (p.Asp917Glyfs*3) in the MSH6 gene. It is expected to result in an absent or disrupted protein product. Loss-of-function variants in MSH6 are known to be pathogenic (PMID: 18269114, 24362816). This variant has not been reported in the literature in individuals affected with MSH6-related conditions. For these reasons, this variant has been classified as Pathogenic. ClinVar contains an entry for this variant (Variation ID: 944657).

Quest Diagnostics Nichols Institute San Juan Capistrano
Classification: Pathogenic. Last evaluated: 2020-05-29. Review status: criteria provided, single submitter. Criteria: Quest Diagnostics criteria. Collection method: clinical testing. Allele origin: unknown.
Comment: The variant results in a shift of the reading frame, and is therefore predicted to result in the loss of a functional protein. Found in at least one patient with expected phenotype for this gene, and not found in general population data.

Literature cited by the submitters: PubMed 18269114 (cited by Labcorp Genetics (formerly Invitae), Labcorp); PubMed 24362816 (cited by Labcorp Genetics (formerly Invitae), Labcorp).

NM_000179.3(MSH6):c.2749dup (p.Asp917fs)

Gene: MSH6 (mutS homolog 6; plus strand). Cytogenetic location: 2p16.3.
Variant type: Duplication.
Coding change: c.2749dup on transcript NM_000179.3 (MANE Select); coding-DNA position 2749, one base duplicated (G; older notation c.2749dupG).
Protein change: p.Asp917fs; shifts the reading frame from aspartic acid 917.
Molecular consequence: frameshift variant.
Genome position (GRCh38, 1-based): chr2:47,800,732, G duplicated. VCF-style (leftmost placement, unchanged base first): chr2-47800731-T-TG. GRCh37 (hg19) VCF-style: chr2-48027870-T-TG.
Other names: c.2359dup, p.Asp787fs (NM_001281492.2); c.1843dup, p.Asp615fs (NM_001281493.2, NM_001281494.2); c.2749dupG (NM_000179.2); short protein forms D917fs, D615fs, D787fs.
Identifiers: ClinVar variation 944657 (VCV000944657.11), dbSNP rs1669506824, ClinGen allele CA1139655907.